The following is an entry in ClinVar:

ClinVar aggregate classification (germline): Likely benign. Review status: criteria provided, multiple submitters, no conflicts (2 of 4 stars). 3 submissions from 3 submitters: Likely benign (2). 1 of the submissions does not count toward it. Last evaluated 2025-11-01.

Conditions:
UFC1-related disorder. Also called: UFC1-related condition.

Allele frequency attached by ClinVar (database versions not stated): ExAC 0.00123; 1000 Genomes Project 30x 0.00312; 1000 Genomes Project 0.00319; gnomAD 0.00421; ESP Exome Variant Server 0.00454; TOPMed 0.00466.
gnomAD v4.1: 1,237 of 1,614,228 alleles (0.077%); highest among the groups gnomAD compares: African/African-American, 1.4%; 11 homozygotes.

Submissions (3):

CeGaT Center for Human Genetics Tuebingen
Classification: Likely benign. Last evaluated: 2025-11-01. Review status: criteria provided, single submitter. Criteria: CeGaT Center For Human Genetics Tuebingen Variant Classification Criteria Version 2. Collection method: clinical testing. Allele origin: germline. Affected: yes. Observed: 1 variant allele.
Comment: UFC1: BP4, BP7, BS1

Blueprint Genetics
Classification: Likely benign. Last evaluated: 2024-09-05. Review status: criteria provided, single submitter. Criteria: ACMG Guidelines, 2015. Collection method: clinical testing. Allele origin: germline.

PreventionGenetics, part of Exact Sciences
Classification: Benign for UFC1-related condition. Last evaluated: 2019-02-18. Review status: no assertion criteria provided. Collection method: clinical testing. Allele origin: germline. Not counted in ClinVar's aggregate classification.
Comment: This variant is classified as benign based on ACMG/AMP sequence variant interpretation guidelines (Richards et al. 2015 PMID: 25741868, with internal and published modifications).

NM_016406.4(UFC1):c.153C>T (p.Asn51=)

Gene: UFC1 (ubiquitin-fold modifier conjugating enzyme 1; plus strand). Cytogenetic location: 1q23.3.
Variant type: single nucleotide variant.
Coding change: c.153C>T on transcript NM_016406.4 (MANE Select); coding-DNA position 153, C replaced by T.
Protein change: p.Asn51=; no amino-acid change (asparagine 51 retained).
Molecular consequence: synonymous variant.
Genome position (GRCh38, 1-based): chr1:161,156,979, C>T. VCF-style: chr1-161156979-C-T. GRCh37 (hg19) VCF-style: chr1-161126769-C-T.
Identifiers: ClinVar variation 3043955 (VCV003043955.9), dbSNP rs142789001, ClinGen allele CA1206357.